The following is an entry in ClinVar:

NM_000484.4(APP):c.2224G>A (p.Val742Ile)

Gene: APP (amyloid beta precursor protein; minus strand). Cytogenetic location: 21q21.3.
Variant type: single nucleotide variant.
Coding change: c.2224G>A on transcript NM_000484.4 (MANE Select); coding-DNA position 2224, G replaced by A.
Protein change: p.Val742Ile; replaces valine 742 with isoleucine.
Molecular consequence: missense variant.
Genome position (GRCh38, 1-based): chr21:25,881,759, C>T on the plus strand (G>A on the coding strand, the complement: APP is on the minus strand). VCF-style: chr21-25881759-C-T. GRCh37 (hg19) VCF-style: chr21-27254070-C-T.
Other names: c.2152G>A, p.Val718Ile (NM_001136016.3); c.1831G>A, p.Val611Ile (NM_001136129.3); c.2056G>A, p.Val686Ile (NM_001136130.3, NM_001385253.1); c.1894G>A, p.Val632Ile (NM_001136131.3); c.2170G>A, p.Val724Ile (NM_001204301.2); c.2113G>A, p.Val705Ile (NM_001204302.2); c.1945G>A, p.Val649Ile (NM_001204303.2); c.2167G>A, p.Val723Ile (NM_201413.3); and 1 more; short protein forms V611I, V632I, V649I, V667I, V686I, V705I, V718I, V723I.
Identifiers: ClinVar variation 1678345 (VCV001678345.2), dbSNP rs2146193250, ClinGen allele CA409863768.
Genomic context (GRCh38, chr21:25,881,759, plus strand): 5'-AGGTTGGATTTTCGTAGCCGTTCTGCTGCATCTTGGACAGGTGGCGCTCCTCTGGGGTGA[C>T]AGCGGCGTCAACCTGAAAAACAAGAGGAGAGCTGAGTAAAAAATAAAAATCAATCTTTTA-3'
Protein context (NP_000475.1, residues 732-752): HHGVVEVDAA[Val742Ile]TPEERHLSKM

ClinVar aggregate classification (germline): Uncertain significance. Review status: criteria provided, multiple submitters, no conflicts (2 of 4 stars). 2 submissions from 2 submitters: Uncertain significance (2). Last evaluated 2025-04-17.

Conditions:
Alzheimer disease. Also called: Alzheimer's disease; Presenile and senile dementia. Identifiers: Orphanet 1020, MedGen C0002395, MeSH D000544, MONDO:0004975, HP:0002511.

Submissions (2):

Labcorp Genetics (formerly Invitae), Labcorp
Classification: Uncertain significance for Alzheimer disease. Last evaluated: 2025-04-17. Review status: criteria provided, single submitter. Criteria: Invitae Variant Classification Sherloc (09022015). Collection method: clinical testing. Allele origin: germline.
Comment: This sequence change replaces valine, which is neutral and non-polar, with isoleucine, which is neutral and non-polar, at codon 742 of the APP protein (p.Val742Ile). This variant is not present in population databases (gnomAD no frequency). This variant has not been reported in the literature in individuals affected with APP-related conditions. ClinVar contains an entry for this variant (Variation ID: 1678345). Invitae Evidence Modeling of protein sequence and biophysical properties (such as structural, functional, and spatial information, amino acid conservation, physicochemical variation, residue mobility, and thermodynamic stability) indicates that this missense variant is expected to disrupt APP protein function with a positive predictive value of 80%. In summary, the available evidence is currently insufficient to determine the role of this variant in disease. Therefore, it has been classified as a Variant of Uncertain Significance.

AiLife Diagnostics
Classification: Uncertain significance. Last evaluated: 2020-12-09. Review status: criteria provided, single submitter. Criteria: ACMG Guidelines, 2015. Collection method: clinical testing. Allele origin: germline. Affected: yes. Observed: 1 variant allele.